The following is an entry in ClinVar:

ClinVar aggregate classification (germline): Uncertain significance (1 of 4 stars; one submission).

Conditions:
Developmental and epileptic encephalopathy, 30 (DEE30). Also called: Epileptic encephalopathy, early infantile, 30. Identifiers: MedGen C4225360, MONDO:0014595, OMIM 616341.

Submission:

Labcorp Genetics (formerly Invitae), Labcorp
Classification: Uncertain significance for Developmental and epileptic encephalopathy, 30. Last evaluated: 2023-11-19. Review status: criteria provided, single submitter. Criteria: Invitae Variant Classification Sherloc (09022015). Collection method: clinical testing. Allele origin: germline.
Comment: This sequence change falls in intron 11 of the SIK1 gene. It does not directly change the encoded amino acid sequence of the SIK1 protein. This variant is present in population databases (no rsID available, gnomAD 0.03%). This variant has not been reported in the literature in individuals affected with SIK1-related conditions. Algorithms developed to predict the effect of sequence changes on RNA splicing suggest that this variant may disrupt the consensus splice site. In summary, the available evidence is currently insufficient to determine the role of this variant in disease. Therefore, it has been classified as a Variant of Uncertain Significance.

NM_173354.5(SIK1):c.1463-11T>G

Gene: SIK1 (salt inducible kinase 1; minus strand). Cytogenetic location: 21q22.3.
Variant type: single nucleotide variant.
Coding change: c.1463-11T>G on transcript NM_173354.5 (MANE Select); 11 bases into the intron before coding-DNA position 1463, T replaced by G.
Molecular consequence: intron variant.
Genome position (GRCh38, 1-based): chr21:43,418,552, A>C on the plus strand (T>G on the coding strand, the complement: SIK1 is on the minus strand). VCF-style: chr21-43418552-A-C. GRCh37 (hg19) VCF-style: chr21-44838432-A-C.
Identifiers: ClinVar variation 3007713 (VCV003007713.3), dbSNP rs1396003648, ClinGen allele CA749586046.
Genomic context (GRCh38, chr21:43,418,552, plus strand): 5'-GCTGGTTCCCTCTGCAGGACTTGCCGTGGTGGAGGGGGAGACGACTATACCTGTGGGGGG[A>C]GGACAGCGCTTTTGATGCTGCAGTGCAAAGGAATAGGCTCCCCCGGCCACTGCTGGGCAC-3'